The following is an entry in ClinVar:

ClinVar aggregate classification (germline): Uncertain significance. Review status: criteria provided, multiple submitters, no conflicts (2 of 4 stars). 2 submissions from 2 submitters: Uncertain significance (2). Last evaluated 2024-06-20.

Conditions:
Fanconi anemia complementation group D2. Also called: FANCD2-Related Fanconi Anemia; FANCONI PANCYTOPENIA, TYPE 4; FANCONI ANEMIA, COMPLEMENTATION GROUP D. Identifiers: Orphanet 84, MedGen C3160738, MONDO:0009214, OMIM 227646.
Fanconi anemia (FA). Also called: Fanconi's anemia. Identifiers: Orphanet 84, MedGen C0015625, MeSH D005199, MONDO:0019391.

Allele frequency attached by ClinVar (database versions not stated): ExAC 0.00001; gnomAD exomes 0.00001; 1000 Genomes Project 30x 0.00016.

Submissions (2):

Fulgent Genetics
Classification: Uncertain significance for Fanconi anemia complementation group D2. Last evaluated: 2024-06-20. Review status: criteria provided, single submitter. Criteria: ACMG Guidelines, 2015. Collection method: clinical testing. Allele origin: germline.

Labcorp Genetics (formerly Invitae), Labcorp
Classification: Uncertain significance for Fanconi anemia. Last evaluated: 2020-02-27. Review status: criteria provided, single submitter. Criteria: Invitae Variant Classification Sherloc (09022015). Collection method: clinical testing. Allele origin: germline.
Comment: In summary, the available evidence is currently insufficient to determine the role of this variant in disease. Therefore, it has been classified as a Variant of Uncertain Significance. Algorithms developed to predict the effect of missense changes on protein structure and function (SIFT, PolyPhen-2, Align-GVGD) all suggest that this variant is likely to be tolerated, but these predictions have not been confirmed by published functional studies and their clinical significance is uncertain. This variant has not been reported in the literature in individuals with FANCD2-related conditions. The frequency data for this variant in the population databases is considered unreliable, as metrics indicate poor data quality at this position in the ExAC database. This sequence change replaces alanine with threonine at codon 506 of the FANCD2 protein (p.Ala506Thr). The alanine residue is weakly conserved and there is a small physicochemical difference between alanine and threonine.

NM_001018115.3(FANCD2):c.1516G>A (p.Ala506Thr)

Genes: FANCD2 (FA complementation group D2; plus strand), LOC107303338 (3p25 FANCD2 Alu-mediated recombination region; plus strand). Cytogenetic location: 3p25.3.
Variant type: single nucleotide variant.
Coding change: c.1516G>A on transcript NM_001018115.3 (MANE Select); coding-DNA position 1516, G replaced by A.
Protein change: p.Ala506Thr; replaces alanine 506 with threonine.
Molecular consequence: missense variant.
Genome position (GRCh38, 1-based): chr3:10,049,476, G>A. VCF-style: chr3-10049476-G-A. GRCh37 (hg19) VCF-style: chr3-10091160-G-A.
Other names: c.1516G>A, p.Ala506Thr (NM_001319984.2, NM_001374253.1, NM_001374254.1 and 1 more transcripts); c.1516G>A (NM_033084.4); short protein forms A506T.
Identifiers: ClinVar variation 1006377 (VCV001006377.10), dbSNP rs767699213, ClinGen allele CA2249678.